The following is an entry in ClinVar:

NM_007294.4(BRCA1):c.5492C>A (p.Pro1831His)

Gene: BRCA1 (BRCA1 DNA repair associated; minus strand). Cytogenetic location: 17q21.31.
Variant type: single nucleotide variant.
Coding change: c.5492C>A on transcript NM_007294.4 (MANE Select); coding-DNA position 5492, C replaced by A.
Protein change: p.Pro1831His; replaces proline 1831 with histidine.
Molecular consequence: missense variant. On other transcripts: 3 prime UTR variant (1), non-coding transcript variant (1).
Genome position (GRCh38, 1-based): chr17:43,045,778, G>T on the plus strand (C>A on the coding strand, the complement: BRCA1 is on the minus strand). VCF-style: chr17-43045778-G-T. GRCh37 (hg19) VCF-style: chr17-41197795-G-T.
Other names: c.5489C>A, p.Pro1830His (NM_001407619.1, NM_001407620.1, NM_001407621.1 and 14 more transcripts); c.5486C>A, p.Pro1829His (NM_001407627.1, NM_001407628.1, NM_001407638.1 and 13 more transcripts); c.5153C>A, p.Pro1718His (NM_001407957.1, NM_001407958.1, NM_001407956.1); c.5111C>A, p.Pro1704His (NM_001407959.1); c.5108C>A, p.Pro1703His (NM_001407960.1, NM_001407962.1); c.5105C>A, p.Pro1702His (NM_001407963.1); c.5030C>A, p.Pro1677His (NM_001407964.1); c.4985C>A, p.Pro1662His (NM_001407965.1); and 74 more; short protein forms P1784H, P1852H, P727H, P1831H, P1703H, P1704H, P1718H, P1747H.
Identifiers: ClinVar variation 867596 (VCV000867596.3), dbSNP rs587782778, ClinGen allele CA10590321.

Conditions:
Breast-ovarian cancer, familial, susceptibility to, 1 (BROVCA1). Also called: BRCA1 Hereditary Breast and Ovarian Cancer; OVARIAN CANCER, SUSCEPTIBILITY TO. Identifiers: Orphanet 145, MedGen C2676676, MONDO:0011450, OMIM 604370. Disease mechanism: loss of function.

Submission:

Brotman Baty Institute, University of Washington
No classification provided (evidence only). Condition: Breast-ovarian cancer, familial 1. Review status: no classification provided. Collection method: in vitro. Allele origin: not applicable. Functional consequence: functionally_normal.
ClinVar note: "not provided" was previously submitted as the classification for the variant. However, the classification appeared to be based only on an observation of functional data so it was converted to no classification on 2025-07-30.